The following is an entry in ClinVar:

NM_004104.5(FASN):c.6347C>T (p.Ala2116Val)

Gene: FASN (fatty acid synthase; minus strand). Cytogenetic location: 17q25.3.
Variant type: single nucleotide variant.
Coding change: c.6347C>T on transcript NM_004104.5 (MANE Select); coding-DNA position 6347, C replaced by T.
Protein change: p.Ala2116Val; replaces alanine 2116 with valine.
Molecular consequence: missense variant.
Genome position (GRCh38, 1-based): chr17:82,081,660, G>A on the plus strand (C>T on the coding strand, the complement: FASN is on the minus strand). VCF-style: chr17-82081660-G-A. GRCh37 (hg19) VCF-style: chr17-80039536-G-A.
Other names: short protein forms A2116V.
Identifiers: ClinVar variation 2966819 (VCV002966819.3), dbSNP rs539833943, ClinGen allele CA8851337.
Genomic context (GRCh38, chr17:82,081,660, plus strand): 5'-CCCAGGATGTGTGCCACGGCCTCCACCAGGTCCCGCTGGCTGTCCCTGTCCCTATAGGCC[G>A]CAGCCTTCTCAGCCAGCACAAAGCTGCTCAGGACCATGTGGGGCTGGTTCAGGAAGAGGT-3'
Protein context (NP_004095.4, residues 2106-2126): LSSFVLAEKA[Ala2116Val]AYRDRDSQRD

ClinVar aggregate classification (germline): Uncertain significance (1 of 4 stars; one submission).

Conditions:
Epileptic encephalopathy. Identifiers: MedGen C0543888, HP:0200134.

Allele frequency attached by ClinVar (database versions not stated): gnomAD 0.00003; TOPMed 0.00003; ExAC 0.00004; 1000 Genomes Project 30x 0.00016; 1000 Genomes Project 0.00020.

Submission:

Labcorp Genetics (formerly Invitae), Labcorp
Classification: Uncertain significance for Epileptic encephalopathy. Last evaluated: 2023-08-05. Review status: criteria provided, single submitter. Criteria: Invitae Variant Classification Sherloc (09022015). Collection method: clinical testing. Allele origin: germline.
Comment: This variant has not been reported in the literature in individuals affected with FASN-related conditions. This sequence change replaces alanine, which is neutral and non-polar, with valine, which is neutral and non-polar, at codon 2116 of the FASN protein (p.Ala2116Val). This variant is present in population databases (rs539833943, gnomAD 0.01%). Algorithms developed to predict the effect of missense changes on protein structure and function output the following: SIFT: "Not Available"; PolyPhen-2: "Benign"; Align-GVGD: "Not Available". The valine amino acid residue is found in multiple mammalian species, which suggests that this missense change does not adversely affect protein function. In summary, the available evidence is currently insufficient to determine the role of this variant in disease. Therefore, it has been classified as a Variant of Uncertain Significance.